The following is an entry in ClinVar:

NM_007289.4(MME):c.604_607del (p.Asn202fs)

Gene: MME (membrane metalloendopeptidase; plus strand). Cytogenetic location: 3q25.2.
Variant type: Deletion.
Coding change: c.604_607del on transcript NM_007289.4 (MANE Select); coding-DNA positions 604 to 607, 4 bases deleted (AATT; older notation c.604_607delAATT).
Protein change: p.Asn202fs; shifts the reading frame from asparagine 202.
Molecular consequence: frameshift variant.
Genome position (GRCh38, 1-based): chr3:155,116,936-155,116,939, AATT deleted; deleting any 4 consecutive bases within chr3:155,116,933-155,116,939 gives the same sequence; the c. name uses the placement nearest the transcript's 3' end. VCF-style (leftmost placement, unchanged base first): chr3-155116932-TATTA-T. GRCh37 (hg19) VCF-style: chr3-154834721-TATTA-T.
Other names: c.604_607del, p.Asn202fs (NM_000902.5, NM_001354642.2, NM_001354643.1 and 2 more transcripts); short protein forms N202fs.
Identifiers: ClinVar variation 1455300 (VCV001455300.6), dbSNP rs1165784045, ClinGen allele CA547023843.

ClinVar aggregate classification (germline): Pathogenic (1 of 4 stars; one submission).

Submission:

Labcorp Genetics (formerly Invitae), Labcorp
Classification: Pathogenic. Last evaluated: 2025-10-13. Review status: criteria provided, single submitter. Criteria: Invitae Variant Classification Sherloc (09022015). Collection method: clinical testing. Allele origin: germline.
Comment: This sequence change creates a premature translational stop signal (p.Asn202Cysfs*11) in the MME gene. It is expected to result in an absent or disrupted protein product. Loss-of-function variants in MME are known to be pathogenic (PMID: 26991897). This variant is present in population databases (no rsID available, gnomAD 0.007%). This variant has not been reported in the literature in individuals affected with MME-related conditions. ClinVar contains an entry for this variant (Variation ID: 1455300). For these reasons, this variant has been classified as Pathogenic.

Literature cited by the submitters: PubMed 26991897.